The following is an entry in ClinVar:

ClinVar aggregate classification (germline): Pathogenic (1 of 4 stars; one submission).

Conditions:
Familial adenomatous polyposis 1 (FAP1). Also called: FAMILIAL ADENOMATOUS POLYPOSIS 1, ATTENUATED; POLYPOSIS, ADENOMATOUS INTESTINAL. Identifiers: MedGen C2713442, MONDO:0021056, OMIM 175100. Disease mechanism: loss of function.

Submission:

Myriad Genetics, Inc.
Classification: Pathogenic for Familial adenomatous polyposis 1. Last evaluated: 2023-04-26. Review status: criteria provided, single submitter. Criteria: Myriad Autosomal Dominant, Autosomal Recessive and X-Linked Classification Criteria (2023). Collection method: clinical testing. Allele origin: unknown.
Comment: This variant is considered pathogenic. This variant creates a frameshift predicted to result in premature protein truncation.

NM_000038.6(APC):c.525del (p.Glu176fs)

Gene: APC (APC regulator of Wnt signaling pathway; plus strand). Cytogenetic location: 5q22.2.
Variant type: Deletion.
Coding change: c.525del on transcript NM_000038.6 (MANE Select); coding-DNA position 525, one base deleted (T; older notation c.525delT).
Protein change: p.Glu176fs; shifts the reading frame from glutamic acid 176.
Molecular consequence: frameshift variant. On other transcripts: 5 prime UTR variant (4), non-coding transcript variant (2).
Genome position (GRCh38, 1-based): chr5:112,775,731, T deleted. VCF-style (leftmost placement, unchanged base first): chr5-112775730-CT-C. GRCh37 (hg19) VCF-style: chr5-112111427-CT-C.
Other names: c.525del, p.Glu176fs (NM_001127510.3, NM_001354895.2, NM_001354896.2 and 16 more transcripts); c.555del, p.Glu186fs (NM_001127511.3, NM_001354897.2, NM_001354902.2 and 1 more transcripts); c.450del, p.Glu151fs (NM_001354898.2, NM_001354904.2, NM_001407451.1); c.348del, p.Glu117fs (NM_001354900.2, NM_001354901.2, NM_001354905.2 and 1 more transcripts); c.-511del (NM_001354906.2, NM_001407470.1, NM_001407471.1 and 1 more transcripts); short protein forms E117fs, E151fs, E176fs, E186fs.
Identifiers: ClinVar variation 2583982 (VCV002583982.2), dbSNP rs2532417178, ClinGen allele CA2582341388.